The following is an entry in ClinVar:

NM_000228.3(LAMB3):c.124C>T (p.Arg42Ter)

Gene: LAMB3 (laminin subunit beta 3; minus strand). Cytogenetic location: 1q32.2.
Variant type: single nucleotide variant.
Coding change: c.124C>T on transcript NM_000228.3 (MANE Select); coding-DNA position 124, C replaced by T.
Protein change: p.Arg42Ter; replaces arginine 42 with a stop codon.
Molecular consequence: nonsense.
Genome position (GRCh38, 1-based): chr1:209,650,023, G>A on the plus strand (C>T on the coding strand, the complement: LAMB3 is on the minus strand). VCF-style: chr1-209650023-G-A. GRCh37 (hg19) VCF-style: chr1-209823368-G-A.
Other names: c.124C>T, p.Arg42Ter (NM_001017402.2, NM_001127641.1); short protein forms R42*.
Identifiers: ClinVar variation 14541 (VCV000014541.29), dbSNP rs80356680, ClinGen allele CA341329.

ClinVar aggregate classification (germline): Pathogenic. Review status: criteria provided, multiple submitters, no conflicts (2 of 4 stars). 12 submissions from 12 submitters: Pathogenic (9). 3 of the submissions do not count toward it. Last evaluated 2026-01-09.

Conditions:
LAMB3-related disorder. Also called: LAMB3-related condition.
Junctional epidermolysis bullosa, non-Herlitz type. Also called: COL17A1-Related Junctional Epidermolysis Bullosa; EPIDERMOLYSIS BULLOSA JUNCTIONALIS, DISENTIS TYPE; EPIDERMOLYSIS BULLOSA JUNCTIONALIS, NON-HERLITZ TYPE; EPIDERMOLYSIS BULLOSA JUNCTIONALIS, PROGRESSIVE; EPIDERMOLYSIS BULLOSA JUNCTIONALIS, SEVERE NONLETHAL; EPIDERMOLYSIS BULLOSA, JUNCTIONAL 1A, INTERMEDIATE. Identifiers: Orphanet 251393, Orphanet 79402, Orphanet 79405, Orphanet 89840, MedGen C0268374, MONDO:0009180, OMIM 226650.
Junctional epidermolysis bullosa gravis of Herlitz. Also called: EPIDERMOLYSIS BULLOSA, JUNCTIONAL, HERLITZ-PEARSON TYPE; Herlitz-type junctional epidermolysis bullosa; EPIDERMOLYSIS BULLOSA JUNCTIONALIS, HERLITZ TYPE; JEB-HERLITZ TYPE; EPIDERMOLYSIS BULLOSA, JUNCTIONAL 1B, SEVERE; Epidermolysis Bullosa Letalis. Identifiers: Orphanet 79404, MedGen C0079683, MONDO:0009182, OMIM 226700.
Amelogenesis imperfecta type 1A. Also called: Amelogenesis imperfecta local hypoplastic; Amelogenesis imperfecta, hypoplastic type; Amelogenesis imperfecta, type IA; AMELOGENESIS IMPERFECTA, HYPOPLASTIC TYPE IA. Identifiers: Orphanet 88661, MedGen C4011403, MONDO:0007094, OMIM 104530.

Allele frequency attached by ClinVar (database versions not stated): gnomAD 0.00006; ExAC 0.00002; TOPMed 0.00004; gnomAD exomes 0.00006 and 0.00009.
gnomAD v4.1: 139 of 1,614,058 alleles (0.0086%); highest among the groups gnomAD compares: Non-Finnish European, 0.01%; no homozygotes.

Submissions (12):

Labcorp Genetics (formerly Invitae), Labcorp
Classification: Pathogenic. Last evaluated: 2026-01-09. Review status: criteria provided, single submitter. Criteria: Invitae Variant Classification Sherloc (09022015). Collection method: clinical testing. Allele origin: germline.
Comment: This sequence change creates a premature translational stop signal (p.Arg42*) in the LAMB3 gene. It is expected to result in an absent or disrupted protein product. Loss-of-function variants in LAMB3 are known to be pathogenic (PMID: 11023379, 16473856). This variant is present in population databases (rs80356680, gnomAD 0.008%). This premature translational stop signal has been observed in individuals with autosomal recessive junctional epidermolysis bullosa (PMID: 7706760, 8824879, 8983017, 30544381). ClinVar contains an entry for this variant (Variation ID: 14541). For these reasons, this variant has been classified as Pathogenic.

Blueprint Genetics
Classification: Pathogenic for LAMB3-related disorders. Last evaluated: 2024-01-23. Review status: criteria provided, single submitter. Criteria: ACMG Guidelines, 2015. Collection method: clinical testing. Allele origin: germline. Affected: yes. Observed: 4 variant alleles.

Neuberg Centre For Genomic Medicine, NCGM
Classification: Pathogenic for Junctional epidermolysis bullosa, non-Herlitz type. Last evaluated: 2023-06-22. Review status: criteria provided, single submitter. Criteria: ACMG Guidelines, 2015. Collection method: clinical testing. Allele origin: germline. Inheritance: Autosomal recessive inheritance. Affected: yes.
Comment: The observed stop gain c.124C>T(p.Arg42Ter) variant in LAMB3 gene has been reported in compound heterozygous state in multiple patients affected with epidermolysis bullosa (Nakano A, et. al.,2000; Hammersen J, et. al., 2016; Wang H, et. al., 2018). Experimental evidence shows an impact of the variant, and demonstrated strongly decreased mRNA levels, and lack of the protein product (Mellerio JE, et. al., 1998). This variant is present with an allele frequency of 0.006% in gnomAD Exomes database. This variant has been reported to the ClinVar database as Pathogenic (multiple submissions). Computational evidence (MutationTaster - disease causing) predict damaging effect on protein structure and function for this variant. The nucleotide change c.124C>T in LAMB3 is predicted as conserved by GERP++ and PhyloP across 100 vertebrates. This variant is predicted to cause loss of normal protein function through protein truncation. Loss-of-function variants in LAMB3 are known to be pathogenic (Nakano A, et. al., 2000). For these reasons, this variant has been classified as Pathogenic.

GeneDx
Classification: Pathogenic. Last evaluated: 2022-10-17. Review status: criteria provided, single submitter. Criteria: GeneDx Variant Classification Process June 2021. Collection method: clinical testing. Allele origin: germline. Affected: yes.
Comment: Nonsense variant predicted to result in protein truncation or nonsense mediated decay in a gene for which loss-of-function is a known mechanism of disease; This variant is associated with the following publications: (PMID: 30544381, 25525159, 8824879, 7706760, 9767254, 32484238, 31589614, 33274474)

Revvity Omics, Revvity
Classification: Pathogenic. Last evaluated: 2022-01-31. Review status: criteria provided, single submitter. Criteria: ACMG Guidelines, 2015. Collection method: clinical testing. Allele origin: germline.

Myriad Genetics, Inc.
Classification: Pathogenic for Junctional epidermolysis bullosa gravis of Herlitz. Last evaluated: 2019-12-20. Review status: criteria provided, single submitter. Criteria: Myriad Women's Health Autosomal Recessive and X-Linked Classification Criteria (2019). Collection method: clinical testing. Allele origin: unknown.
Comment: NM_000228.2(LAMB3):c.124C>T(R42*) is classified as pathogenic in the context of LAMB3-related Herlitz junctional epidermolysis bullosa. Sources cited for classification include the following: PMID 11023379 and 8983017. Classification of NM_000228.2(LAMB3):c.124C>T(R42*) is based on the following criteria: The variant causes a premature termination codon that is expected to be targeted by nonsense-mediated mRNA decay and is reported in individuals with the relevant phenotype. Please note: this variant was assessed in the context of healthy population screening.

Women's Health and Genetics/Laboratory Corporation of America, LabCorp
Classification: Pathogenic for Junctional epidermolysis bullosa, non-Herlitz type. Last evaluated: 2019-02-07. Review status: criteria provided, single submitter. Criteria: LabCorp Variant Classification Summary - May 2015. Collection method: clinical testing. Allele origin: germline.
Comment: Variant summary: The variant, LAMB3 c.124C>T (p.Arg42X) results in a premature termination codon, predicted to cause a truncation of the encoded protein or absence of the protein due to nonsense mediated decay, which are commonly known mechanisms for disease. Truncations downstream of this position have been classified as pathogenic by our laboratory (eg. c.1903C>T (p.Arg635X), c.1978C>T(p.Arg660X)). The variant allele was found at a frequency of 4.7e-05 in 277176 control chromosomes (gnomAD) and has been reported in the literature as a mutational hot spot in multiple individuals affected with Junctional Epidermolysis Bullosa (JEB), where some of these patients, including 2 homozygotes, were affected by the most severe, Herlitz type JEB (Kivirkko 1996, Matsui 1998, Hammersen 2016), while others had less severe forms of JEB (e.g. Abu Sa'd 2006, McGrath 1995). These data indicate that the variant is very likely to be associated with disease. At least one publication reported experimental evidence evaluating an impact of the variant, and demonstrated strongly decreased mRNA levels, and lack of the protein product, in samples from a homozygous patient (Matsui 1998). Two clinical diagnostic laboratories have submitted clinical-significance assessments for this variant to ClinVar after 2014 without evidence for independent evaluation and classified the variant as pathogenic. Based on the evidence outlined above, the variant was classified as pathogenic.

Fulgent Genetics
Classification: Pathogenic for Amelogenesis imperfecta type 1A; Junctional epidermolysis bullosa, non-Herlitz type; Junctional epidermolysis bullosa gravis of Herlitz. Last evaluated: 2018-10-31. Review status: criteria provided, single submitter. Criteria: ACMG Guidelines, 2015. Collection method: clinical testing. Allele origin: unknown.

Juno Genomics, Hangzhou Juno Genomics, Inc
Classification: Pathogenic for Amelogenesis imperfecta type 1A; Junctional epidermolysis bullosa, non-Herlitz type; Junctional epidermolysis bullosa gravis of Herlitz. Review status: criteria provided, single submitter. Criteria: ACMG Guidelines, 2015. Collection method: clinical testing. Allele origin: germline.
Comment: Absent from controls (or at extremely low frequency if recessive) in Genome Aggregation Database.;Null variant in a gene where loss of function (LOF) is a known mechanism of disease.;For recessive disorders, detected in trans with a pathogenic variant.

PreventionGenetics, part of Exact Sciences
Classification: Pathogenic for LAMB3-related condition. Last evaluated: 2024-03-02. Review status: no assertion criteria provided. Collection method: clinical testing. Allele origin: germline. Not counted in ClinVar's aggregate classification.
Comment: The LAMB3 c.124C>T variant is predicted to result in premature protein termination (p.Arg42*). This variant has been reported in the homozygous and compound heterozygous states in association with autosomal recessive LAMB3-related disorders (Rossi et al. 2021. PubMed ID: 33274474; Kivirikko et al. 1996. PubMed ID: 8824879). This variant is reported in 0.0098% of alleles in individuals of South Asian descent in gnomAD. Nonsense variants in LAMB3 are expected to be pathogenic. This variant is interpreted as pathogenic.

OMIM
Classification: Pathogenic for EPIDERMOLYSIS BULLOSA, JUNCTIONAL 1A, INTERMEDIATE. Last evaluated: 1998-08-01. Review status: no assertion criteria provided. Collection method: literature only. Allele origin: germline. Not counted in ClinVar's aggregate classification.

GeneReviews
No classification provided. Condition: Junctional epidermolysis bullosa gravis of Herlitz. Review status: no classification provided. Collection method: literature only. Allele origin: unknown. Not counted in ClinVar's aggregate classification.

Literature cited by the submitters: PubMed 11023379 (cited by Labcorp Genetics (formerly Invitae), Labcorp and Myriad Genetics, Inc.); PubMed 16473856 (cited by Labcorp Genetics (formerly Invitae), Labcorp); PubMed 7706760 (cited by 3 submitters); PubMed 8824879 (cited by 4 submitters); PubMed 8983017 (cited by Labcorp Genetics (formerly Invitae), Labcorp and Myriad Genetics, Inc.); PubMed 30544381 (cited by Labcorp Genetics (formerly Invitae), Labcorp); PubMed 27375110 (cited by Women's Health and Genetics/Laboratory Corporation of America, LabCorp); PubMed 16439963 (cited by Women's Health and Genetics/Laboratory Corporation of America, LabCorp); PubMed 9767254 (cited by OMIM and GeneReviews); PubMed 20301304 (cited by GeneReviews); NCBI Bookshelf NBK1125 (cited by GeneReviews).